The following is an entry in ClinVar:

ClinVar aggregate classification (germline): Uncertain significance. Review status: criteria provided, multiple submitters, no conflicts (2 of 4 stars). 2 submissions from 2 submitters: Uncertain significance (2). Last evaluated 2024-04-24.

Allele frequency attached by ClinVar (database versions not stated): gnomAD exomes below 0.00001; gnomAD 0.00001.

Submissions (2):

Labcorp Genetics (formerly Invitae), Labcorp
Classification: Uncertain significance. Last evaluated: 2024-04-24. Review status: criteria provided, single submitter. Criteria: Invitae Variant Classification Sherloc (09022015). Collection method: clinical testing. Allele origin: germline.
Comment: This sequence change replaces alanine, which is neutral and non-polar, with valine, which is neutral and non-polar, at codon 201 of the GUF1 protein (p.Ala201Val). The frequency data for this variant in the population databases is considered unreliable, as metrics indicate poor data quality at this position in the gnomAD database. This variant has not been reported in the literature in individuals affected with GUF1-related conditions. ClinVar contains an entry for this variant (Variation ID: 2524549). Advanced modeling of protein sequence and biophysical properties (such as structural, functional, and spatial information, amino acid conservation, physicochemical variation, residue mobility, and thermodynamic stability) performed at Invitae indicates that this missense variant is not expected to disrupt GUF1 protein function with a negative predictive value of 80%. In summary, the available evidence is currently insufficient to determine the role of this variant in disease. Therefore, it has been classified as a Variant of Uncertain Significance.

Ambry Genetics
Classification: Uncertain significance. Last evaluated: 2023-04-10. Review status: criteria provided, single submitter. Criteria: Ambry Variant Classification Scheme 2023. Collection method: clinical testing. Allele origin: germline.

NM_021927.3(GUF1):c.602C>T (p.Ala201Val)

Gene: GUF1 (GTP binding elongation factor GUF1; plus strand). Cytogenetic location: 4p12.
Variant type: single nucleotide variant.
Coding change: c.602C>T on transcript NM_021927.3 (MANE Select); coding-DNA position 602, C replaced by T.
Protein change: p.Ala201Val; replaces alanine 201 with valine.
Molecular consequence: missense variant. On other transcripts: 5 prime UTR variant (2).
Genome position (GRCh38, 1-based): chr4:44,683,251, C>T. VCF-style: chr4-44683251-C-T. GRCh37 (hg19) VCF-style: chr4-44685268-C-T.
Other names: c.-371C>T (NM_001345867.2, NM_001345869.2); c.602C>T, p.Ala201Val (NM_001345868.2); short protein forms A201V.
Identifiers: ClinVar variation 2524549 (VCV002524549.5), dbSNP rs1455939368, ClinGen allele CA356761815.